The following is an entry in ClinVar:

ClinVar aggregate classification (germline): Uncertain significance. Review status: criteria provided, multiple submitters, no conflicts (2 of 4 stars). 2 submissions from 2 submitters: Uncertain significance (2). Last evaluated 2025-01-13.

Conditions:
Familial thoracic aortic aneurysm and aortic dissection (TAAD). Also called: Thoracic aortic aneurysms and dissections. Identifiers: Orphanet 91387, MedGen C4707243, MONDO:0019625.

Allele frequency attached by ClinVar (database versions not stated): gnomAD exomes below 0.00001.
gnomAD v4.1: 2 of 1,589,900 alleles (0.00013%); highest among the groups gnomAD compares: East Asian, 0.0046%; no homozygotes.

Submissions (2):

GeneDx
Classification: Uncertain significance. Last evaluated: 2025-01-13. Review status: criteria provided, single submitter. Criteria: GeneDx Variant Classification Process June 2021. Collection method: clinical testing. Allele origin: germline. Affected: yes.
Comment: Not observed at significant frequency in large population cohorts (gnomAD); Alters the Kozak sequence, which plays a major role in the initiation of translation; Has not been previously published as pathogenic or benign to our knowledge

Color Diagnostics, LLC DBA Color Health
Classification: Uncertain significance for Familial thoracic aortic aneurysm and aortic dissection. Last evaluated: 2024-09-23. Review status: criteria provided, single submitter. Criteria: ACMG Guidelines, 2015. Collection method: clinical testing. Allele origin: germline.
Comment: This variant changes 1 nucleotide in the 5' untranslated region of the SMAD3 gene. To our knowledge, functional studies have not been reported for this variant. This variant has not been reported in individuals affected with SMAD3-related disorders in the literature. This variant has been identified in 1/209868 chromosomes in the general population by the Genome Aggregation Database (gnomAD). The available evidence is insufficient to determine the role of this variant in disease conclusively. Therefore, this variant is classified as a Variant of Uncertain Significance.

NM_005902.4(SMAD3):c.-2C>G

Genes: SMAD3 (SMAD family member 3; plus strand), LOC130057352 (ATAC-STARR-seq lymphoblastoid silent region 6574; plus strand). Cytogenetic location: 15q22.33.
Variant type: single nucleotide variant.
Coding change: c.-2C>G on transcript NM_005902.4 (MANE Select); 2 bases upstream of the start codon, C replaced by G.
Molecular consequence: 5 prime UTR variant.
Genome position (GRCh38, 1-based): chr15:67,066,153, C>G. VCF-style: chr15-67066153-C-G. GRCh37 (hg19) VCF-style: chr15-67358491-C-G.
Other names: c.-2C>G (NM_001407011.1, NM_001407012.1, NM_001407013.1).
Identifiers: ClinVar variation 924233 (VCV000924233.5), dbSNP rs1490793198, ClinGen allele CA618961960.